The following is an entry in ClinVar:

ClinVar aggregate classification (germline): Uncertain significance (1 of 4 stars; one submission).

Conditions:
Hereditary cancer-predisposing syndrome. Also called: Neoplastic Syndromes, Hereditary; Tumor predisposition; Hereditary Cancer Syndrome; Hereditary neoplastic syndrome. Identifiers: Orphanet 140162, MedGen C0027672, MeSH D009386, MONDO:0015356.

Submission:

Ambry Genetics
Classification: Uncertain significance for Hereditary cancer-predisposing syndrome. Last evaluated: 2022-03-16. Review status: criteria provided, single submitter. Criteria: Ambry Variant Classification Scheme 2023. Collection method: clinical testing. Allele origin: germline.
Comment: The p.L2150F variant (also known as c.6448C>T), located in coding exon 15 of the APC gene, results from a C to T substitution at nucleotide position 6448. The leucine at codon 2150 is replaced by phenylalanine, an amino acid with highly similar properties. This amino acid position is conserved. In addition, in silico predictors for this gene do not accurately predict pathogenicity. Since supporting evidence is limited at this time, the clinical significance of this alteration remains unclear.

NM_000038.6(APC):c.6448C>T (p.Leu2150Phe)

Gene: APC (APC regulator of Wnt signaling pathway; plus strand). Cytogenetic location: 5q22.2.
Variant type: single nucleotide variant.
Coding change: c.6448C>T on transcript NM_000038.6 (MANE Select); coding-DNA position 6448, C replaced by T.
Protein change: p.Leu2150Phe; replaces leucine 2150 with phenylalanine.
Molecular consequence: missense variant.
Genome position (GRCh38, 1-based): chr5:112,842,042, C>T. VCF-style: chr5-112842042-C-T. GRCh37 (hg19) VCF-style: chr5-112177739-C-T.
Other names: c.6448C>T, p.Leu2150Phe (NM_001127510.3, NM_001354895.2, NM_001407450.1); c.6394C>T, p.Leu2132Phe (NM_001127511.3); c.6502C>T, p.Leu2168Phe (NM_001354896.2, NM_001407447.1, NM_001407448.1 and 1 more transcripts); c.6478C>T, p.Leu2160Phe (NM_001354897.2); c.6373C>T, p.Leu2125Phe (NM_001354898.2); c.6364C>T, p.Leu2122Phe (NM_001354899.2); c.6325C>T, p.Leu2109Phe (NM_001354900.2); c.6271C>T, p.Leu2091Phe (NM_001354901.2, NM_001407453.1); and 11 more; short protein forms L1766F, L1867F, L1990F, L2049F, L2059F, L2125F, L2178F, L2067F.
Identifiers: ClinVar variation 1753576 (VCV001753576.2), dbSNP rs1263640330, ClinGen allele CA16035441.